The following is an entry in ClinVar:

NC_000016.9:g.(?_65821800)_(67208957_?)del

Genes: B3GNT9 (UDP-GlcNAc:betaGal beta-1,3-N-acetylglucosaminyltransferase 9; minus strand), BEAN1 (brain expressed associated with NEDD4 1; plus strand), CA7 (carbonic anhydrase 7; plus strand), CIAO2B (cytosolic iron-sulfur assembly component 2B; minus strand), CKLF (chemokine like factor; plus strand) and 22 more. Cytogenetic location: 16q21-22.1.
Variant type: Deletion.
Identifiers: ClinVar variation 2424194 (VCV002424194.3).

ClinVar aggregate classification (germline): Pathogenic. Review status: criteria provided, single submitter (1 of 4 stars). 2 submissions from 1 submitter: Pathogenic (1). 1 of the submissions does not count toward it. Last evaluated 2022-08-18.

Conditions:
Cataract 5 multiple types (CTRCT5). Also called: CATARACT, MARNER TYPE; CATARACT 5, LAMELLAR; Lamellar cataract. Identifiers: Orphanet 91492, MedGen C0266537, MONDO:0007290, OMIM 116800, HP:0007971.

Submissions (2):

Labcorp Genetics (formerly Invitae), Labcorp
Classification: Pathogenic. Last evaluated: 2022-08-18. Review status: criteria provided, single submitter. Criteria: Invitae Variant Classification Sherloc (09022015). Collection method: clinical testing. Allele origin: germline.
Comment: A gross deletion of the genomic region encompassing the full coding sequence of the TK2 gene has been identified. Loss-of-function variants in TK2 are known to be pathogenic (PMID: 20421844). The boundaries of this event are unknown as they extend beyond the assayed region for this gene and therefore may encompass additional genes. This variant has not been reported in the literature in individuals affected with TK2-related conditions. For these reasons, this variant has been classified as Pathogenic.

Labcorp Genetics (formerly Invitae), Labcorp
Classification: Pathogenic for Cataract 5 multiple types. Last evaluated: 2022-08-18. Review status: flagged submission. Criteria: Invitae Variant Classification Sherloc (09022015). Collection method: clinical testing. Allele origin: germline. Not counted in ClinVar's aggregate classification.
Comment: A gross deletion of the genomic region encompassing the full coding sequence of the HSF4 gene has been identified. Loss-of-function variants in HSF4 are known to be pathogenic (PMID: 15959809). The boundaries of this event are unknown as they extend beyond the assayed region for this gene and therefore may encompass additional genes. A similar copy number variant has been observed in individual(s) with age-related cataract (PMID: 23329665). For these reasons, this variant has been classified as Pathogenic.
ClinVar note: Reason: This record appears to be redundant with a more recent record from the same submitter.
ClinVar note: Notes: SCV003793609 appears to be redundant with SCV003793822.

Literature cited by the submitters: PubMed 20421844; PubMed 15959809; PubMed 23329665.